The following is an entry in ClinVar:

ClinVar aggregate classification (germline): Uncertain significance (1 of 4 stars; one submission).

Conditions:
Hereditary cancer-predisposing syndrome. Also called: Neoplastic Syndromes, Hereditary; Tumor predisposition; Hereditary neoplastic syndrome; Hereditary Cancer Syndrome. Identifiers: Orphanet 140162, MedGen C0027672, MeSH D009386, MONDO:0015356.

Submission:

Ambry Genetics
Classification: Uncertain significance for Hereditary cancer-predisposing syndrome. Last evaluated: 2022-12-18. Review status: criteria provided, single submitter. Criteria: Ambry Variant Classification Scheme 2023. Collection method: clinical testing. Allele origin: germline.
Comment: The p.A365S variant (also known as c.1093G>T), located in coding exon 7 of the FLCN gene, results from a G to T substitution at nucleotide position 1093. The alanine at codon 365 is replaced by serine, an amino acid with similar properties. This amino acid position is conserved. In addition, the in silico prediction for this alteration is inconclusive. Since supporting evidence is limited at this time, the clinical significance of this alteration remains unclear.

NM_144997.7(FLCN):c.1093G>T (p.Ala365Ser)

Gene: FLCN (folliculin; minus strand). Cytogenetic location: 17p11.2.
Variant type: single nucleotide variant.
Coding change: c.1093G>T on transcript NM_144997.7 (MANE Select); coding-DNA position 1093, G replaced by T.
Protein change: p.Ala365Ser; replaces alanine 365 with serine.
Molecular consequence: missense variant.
Genome position (GRCh38, 1-based): chr17:17,217,152, C>A on the plus strand (G>T on the coding strand, the complement: FLCN is on the minus strand). VCF-style: chr17-17217152-C-A. GRCh37 (hg19) VCF-style: chr17-17120466-C-A.
Other names: c.1147G>T, p.Ala383Ser (NM_001353229.2); c.1093G>T, p.Ala365Ser (NM_001353230.2, NM_001353231.2); short protein forms A365S, A383S.
Identifiers: ClinVar variation 2451827 (VCV002451827.2), dbSNP rs1223326792, ClinGen allele CA398532349.